The following is an entry in ClinVar:

ClinVar aggregate classification (germline): Benign/Likely benign. Review status: criteria provided, multiple submitters, no conflicts (2 of 4 stars). 14 submissions from 14 submitters: Benign (6); Likely benign (5). 3 of the submissions do not count toward it. Last evaluated 2026-06-01.

Conditions:
NSD1-related disorder. Also called: NSD1-related condition.
Sotos syndrome (SOTOS). Also called: Distinctive facial appearance, overgrowth in childhood, and learning disabilities or delayed development; SOTOS SYNDROME 1; Sotos' syndrome; CEREBRAL GIGANTISM; CHROMOSOME 5q35 DELETION SYNDROME. Identifiers: Orphanet 821, MedGen C0175695, MONDO:0019349, OMIM 117550.
Inborn genetic diseases. Identifiers: MedGen C0950123, MeSH D030342.

Allele frequency attached by ClinVar (database versions not stated): gnomAD 0.00184 and 0.00188; ESP Exome Variant Server 0.00284; TOPMed 0.00179; ExAC 0.00138; gnomAD exomes 0.00139 and 0.00296; 1000 Genomes Project 0.00040; 1000 Genomes Project 30x 0.00047.

Submissions (14):

CeGaT Center for Human Genetics Tuebingen
Classification: Benign. Last evaluated: 2026-06-01. Review status: criteria provided, single submitter. Criteria: CeGaT Center For Human Genetics Tuebingen Variant Classification Criteria Version 2. Collection method: clinical testing. Allele origin: germline. Affected: yes. Observed: 22 variant alleles.
Comment: NSD1: BS1, BS2

Labcorp Genetics (formerly Invitae), Labcorp
Classification: Likely benign. Last evaluated: 2025-11-28. Review status: criteria provided, single submitter. Criteria: Invitae Variant Classification Sherloc (09022015). Collection method: clinical testing. Allele origin: germline.

Blueprint Genetics
Classification: Likely benign. Last evaluated: 2024-11-21. Review status: criteria provided, single submitter. Criteria: ACMG Guidelines, 2015. Collection method: clinical testing. Allele origin: germline.

Fulgent Genetics
Classification: Benign for Sotos syndrome. Last evaluated: 2021-08-12. Review status: criteria provided, single submitter. Criteria: ACMG Guidelines, 2015. Collection method: clinical testing. Allele origin: unknown.

Genome-Nilou Lab
Classification: Benign for Sotos syndrome. Last evaluated: 2021-07-15. Review status: criteria provided, single submitter. Criteria: ACMG Guidelines, 2015. Collection method: clinical testing. Allele origin: germline. Affected: no.

GeneDx
Classification: Benign. Last evaluated: 2019-09-12. Review status: criteria provided, single submitter. Criteria: GeneDx Variant Classification Process June 2021. Collection method: clinical testing. Allele origin: germline. Affected: yes.

Ambry Genetics
Classification: Likely benign for Inborn genetic diseases. Last evaluated: 2018-05-04. Review status: criteria provided, single submitter. Criteria: Ambry Variant Classification Scheme 2023. Collection method: clinical testing. Allele origin: germline.

Center for Human Genetics, Inc
Classification: Likely benign. Last evaluated: 2016-11-01. Review status: criteria provided, single submitter. Criteria: ACMG Guidelines, 2015. Collection method: clinical testing. Allele origin: germline. Affected: yes.

Eurofins Ntd Llc (ga)
Classification: Benign. Last evaluated: 2014-02-25. Review status: criteria provided, single submitter. Criteria: EGL Classification Definitions 2015. Collection method: clinical testing. Allele origin: germline. Observed: 2 variant alleles, 2 heterozygotes.

Genetic Services Laboratory, University of Chicago
Classification: Benign. Last evaluated: 2013-02-08. Review status: criteria provided, single submitter. Criteria: ACMG Guidelines, 2007. Collection method: clinical testing. Allele origin: germline. Inheritance: Autosomal dominant inheritance.

Breakthrough Genomics
Classification: Likely benign. Review status: criteria provided, single submitter. Criteria: ACMG Guidelines, 2015. Collection method: not provided. Allele origin: germline. Inheritance: Autosomal dominant inheritance. Affected: yes.

PreventionGenetics, part of Exact Sciences
Classification: Benign for NSD1-related condition. Last evaluated: 2020-02-18. Review status: no assertion criteria provided. Collection method: clinical testing. Allele origin: germline. Not counted in ClinVar's aggregate classification.
Comment: This variant is classified as benign based on ACMG/AMP sequence variant interpretation guidelines (Richards et al. 2015 PMID: 25741868, with internal and published modifications).

Clinical Genetics DNA and cytogenetics Diagnostics Lab, Erasmus MC, Erasmus Medical Center
Classification: Likely benign. Review status: no assertion criteria provided. Collection method: clinical testing. Allele origin: germline. Affected: yes. Study: VKGL Data-share Consensus. Not counted in ClinVar's aggregate classification.

Laboratory of Diagnostic Genome Analysis, Leiden University Medical Center (LUMC)
Classification: Likely benign. Review status: no assertion criteria provided. Collection method: clinical testing. Allele origin: germline. Affected: yes. Study: VKGL Data-share Consensus. Not counted in ClinVar's aggregate classification.

NM_022455.5(NSD1):c.7850T>C (p.Leu2617Ser)

Gene: NSD1 (nuclear receptor binding SET domain protein 1; plus strand). Cytogenetic location: 5q35.3.
Variant type: single nucleotide variant.
Coding change: c.7850T>C on transcript NM_022455.5 (MANE Select); coding-DNA position 7850, T replaced by C.
Protein change: p.Leu2617Ser; replaces leucine 2617 with serine.
Molecular consequence: missense variant.
Genome position (GRCh38, 1-based): chr5:177,295,218, T>C. VCF-style: chr5-177295218-T-C. GRCh37 (hg19) VCF-style: chr5-176722219-T-C.
Other names: c.6977T>C, p.Leu2326Ser (NM_001365684.2, NM_001409308.1, NM_172349.5); c.7850T>C, p.Leu2617Ser (NM_001409301.1, NM_001409302.1, NM_001409303.1); c.7430T>C, p.Leu2477Ser (NM_001409304.1); c.7097T>C, p.Leu2366Ser (NM_001409305.1); c.7088T>C, p.Leu2363Ser (NM_001409306.1, NM_001409307.1); c.6728T>C, p.Leu2243Ser (NM_001409309.1); short protein forms L2348S, L2243S, L2477S, L2363S, L2326S, L2366S.
Identifiers: ClinVar variation 96082 (VCV000096082.58), dbSNP rs77618751, ClinGen allele CA149221.